The following is an entry in ClinVar:

ClinVar aggregate classification (germline): Likely benign. Review status: criteria provided, multiple submitters, no conflicts (2 of 4 stars). 3 submissions from 3 submitters: Likely benign (3). Last evaluated 2025-03-01.

Conditions:
Familial acute necrotizing encephalopathy (IIAE3). Also called: ENCEPHALOPATHY, ACUTE, INFECTION-INDUCED, SUSCEPTIBILITY TO, 3; Susceptibility to Acute Necrotizing Encephalopathy 1. Identifiers: Orphanet 88619, MedGen C2675556, MONDO:0011953, OMIM 608033.

Allele frequency attached by ClinVar (database versions not stated): gnomAD exomes 0.00002; ExAC 0.00003; gnomAD 0.00015 and 0.00016; TOPMed 0.00019.
gnomAD v4.1: 48 of 1,597,438 alleles (0.003%); highest among the groups gnomAD compares: African/African-American, 0.028%; no homozygotes.

Submissions (3):

CeGaT Center for Human Genetics Tuebingen
Classification: Likely benign. Last evaluated: 2025-03-01. Review status: criteria provided, single submitter. Criteria: CeGaT Center For Human Genetics Tuebingen Variant Classification Criteria Version 2. Collection method: clinical testing. Allele origin: germline. Affected: yes. Observed: 1 variant allele.
Comment: RANBP2: BP4, BP7

Blueprint Genetics
Classification: Likely benign. Last evaluated: 2024-11-11. Review status: criteria provided, single submitter. Criteria: ACMG Guidelines, 2015. Collection method: clinical testing. Allele origin: germline.

Labcorp Genetics (formerly Invitae), Labcorp
Classification: Likely benign for Familial acute necrotizing encephalopathy. Last evaluated: 2024-05-06. Review status: criteria provided, single submitter. Criteria: Invitae Variant Classification Sherloc (09022015). Collection method: clinical testing. Allele origin: germline.

NM_006267.5(RANBP2):c.606A>G (p.Glu202=)

Gene: RANBP2 (RAN binding protein 2; plus strand). Cytogenetic location: 2q13.
Variant type: single nucleotide variant.
Coding change: c.606A>G on transcript NM_006267.5 (MANE Select); coding-DNA position 606, A replaced by G.
Protein change: p.Glu202=; no amino-acid change (glutamic acid 202 retained).
Molecular consequence: synonymous variant.
Genome position (GRCh38, 1-based): chr2:108,735,732, A>G. VCF-style: chr2-108735732-A-G. GRCh37 (hg19) VCF-style: chr2-109352188-A-G.
Identifiers: ClinVar variation 1140913 (VCV001140913.15), dbSNP rs2557924, ClinGen allele CA1822068.
Genomic context (GRCh38, chr2:108,735,732, plus strand): 5'-GGATGCTGTGGCCCACTGCCATGAGGCAGAGAGGAACATAGCTTTGCGTTCAAGTTTAGA[A>G]TGGAATTCGTGTGTTGTACAGACCCTTAAGGTAGATAAAAGCTATTGGGTCTTTACATTT-3'
Protein context (NP_006258.3, residues 192-212): ERNIALRSSL[Glu202=]WNSCVVQTLK